The following is an entry in ClinVar:

ClinVar aggregate classification (germline): Pathogenic (1 of 4 stars; one submission).

Conditions:
Developmental and epileptic encephalopathy. Identifiers: MedGen C5779964, MONDO:0100620.

Submission:

Labcorp Genetics (formerly Invitae), Labcorp
Classification: Pathogenic for Early-infantile DEE. Last evaluated: 2021-07-17. Review status: criteria provided, single submitter. Criteria: Invitae Variant Classification Sherloc (09022015). Collection method: clinical testing. Allele origin: germline.
Comment: For these reasons, this variant has been classified as Pathogenic. This variant has not been reported in the literature in individuals affected with CACNA2D2-related conditions. A gross deletion of the genomic region encompassing the full coding sequence of the CACNA2D2 gene has been identified. Loss-of-function variants in CACNA2D2 are known to be pathogenic (PMID: 24358150). The boundaries of this event are unknown as they extend beyond the assayed region for this gene and therefore may encompass additional genes.

Literature cited by the submitters: PubMed 24358150.

NC_000003.11:g.(?_49547968)_(50685477_?)del

Genes: AMIGO3 (adhesion molecule with Ig like domain 3; minus strand), APEH (acylaminoacyl-peptide hydrolase; plus strand), BSN (bassoon presynaptic cytomatrix protein; plus strand), C3orf18 (chromosome 3 open reading frame 18; minus strand), CACNA2D2 (calcium voltage-gated channel auxiliary subunit alpha2delta 2; minus strand) and 35 more. Cytogenetic location: 3p21.31-21.2.
Variant type: Deletion.
Identifiers: ClinVar variation 1456135 (VCV001456135.5).